The following is an entry in ClinVar:

ClinVar aggregate classification (germline): Uncertain significance (1 of 4 stars; one submission).

Conditions:
Familial thoracic aortic aneurysm and aortic dissection (TAAD). Also called: Thoracic aortic aneurysms and dissections. Identifiers: Orphanet 91387, MedGen C4707243, MONDO:0019625.

Submission:

Ambry Genetics
Classification: Uncertain significance for Familial thoracic aortic aneurysm and aortic dissection. Last evaluated: 2026-05-28. Review status: criteria provided, single submitter. Criteria: Ambry Variant Classification Scheme 2023. Collection method: clinical testing. Allele origin: germline.
Comment: The p.D2860H variant (also known as c.8578G>C), located in coding exon 65 of the FBN1 gene, results from a G to C substitution at nucleotide position 8578. The aspartic acid at codon 2860 is replaced by histidine, an amino acid with similar properties. This amino acid position is conserved. In addition, the in silico prediction for this alteration is inconclusive. Based on the available evidence, the clinical significance of this variant remains unclear.

NM_000138.5(FBN1):c.8578G>C (p.Asp2860His)

Gene: FBN1 (fibrillin 1; minus strand). Cytogenetic location: 15q21.1.
Variant type: single nucleotide variant.
Coding change: c.8578G>C on transcript NM_000138.5 (MANE Select); coding-DNA position 8578, G replaced by C.
Protein change: p.Asp2860His; replaces aspartic acid 2860 with histidine.
Molecular consequence: missense variant.
Genome position (GRCh38, 1-based): chr15:48,411,028, C>G on the plus strand (G>C on the coding strand, the complement: FBN1 is on the minus strand). VCF-style: chr15-48411028-C-G. GRCh37 (hg19) VCF-style: chr15-48703225-C-G.
Other names: c.8578G>C, p.Asp2860His (NM_001406716.1); short protein forms D2860H.
Identifiers: ClinVar variation 4871231 (VCV004871231.1).